The following is an entry in ClinVar:

ClinVar aggregate classification (germline): Uncertain significance. Review status: criteria provided, multiple submitters, no conflicts (2 of 4 stars). 2 submissions from 2 submitters: Uncertain significance (2). Last evaluated 2025-11-12.

Conditions:
Combined oxidative phosphorylation defect type 27. Also called: Combined oxidative phosphorylation deficiency 27. Identifiers: Orphanet 477774, MedGen C5567608, MONDO:0014728, OMIM 616672.
Inborn genetic diseases. Identifiers: MedGen C0950123, MeSH D030342.

Allele frequency attached by ClinVar (database versions not stated): gnomAD exomes 0.00001; TOPMed 0.00003; gnomAD 0.00005 and 0.00004; ExAC 0.00003; ESP Exome Variant Server 0.00008.
gnomAD v4.1: 11 of 1,613,324 alleles (0.00068%); highest among the groups gnomAD compares: African/African-American, 0.015%; no homozygotes.

Submissions (2):

Ambry Genetics
Classification: Uncertain significance for Inborn genetic diseases. Last evaluated: 2025-11-12. Review status: criteria provided, single submitter. Criteria: Ambry Variant Classification Scheme 2023. Collection method: clinical testing. Allele origin: germline.

Labcorp Genetics (formerly Invitae), Labcorp
Classification: Uncertain significance for Combined oxidative phosphorylation defect type 27. Last evaluated: 2022-09-01. Review status: criteria provided, single submitter. Criteria: Invitae Variant Classification Sherloc (09022015). Collection method: clinical testing. Allele origin: germline.
Comment: This sequence change replaces aspartic acid, which is acidic and polar, with glycine, which is neutral and non-polar, at codon 338 of the CARS2 protein (p.Asp338Gly). This variant is present in population databases (rs373398364, gnomAD 0.01%). This variant has not been reported in the literature in individuals affected with CARS2-related conditions. ClinVar contains an entry for this variant (Variation ID: 1002431). Algorithms developed to predict the effect of missense changes on protein structure and function are either unavailable or do not agree on the potential impact of this missense change (SIFT: "Tolerated"; PolyPhen-2: "Possibly Damaging"; Align-GVGD: "Class C0"). In summary, the available evidence is currently insufficient to determine the role of this variant in disease. Therefore, it has been classified as a Variant of Uncertain Significance.

NM_024537.4(CARS2):c.1013A>G (p.Asp338Gly)

Gene: CARS2 (cysteinyl-tRNA synthetase 2, mitochondrial; minus strand). Cytogenetic location: 13q34.
Variant type: single nucleotide variant.
Coding change: c.1013A>G on transcript NM_024537.4 (MANE Select); coding-DNA position 1013, A replaced by G.
Protein change: p.Asp338Gly; replaces aspartic acid 338 with glycine.
Molecular consequence: missense variant. On other transcripts: non-coding transcript variant (2).
Genome position (GRCh38, 1-based): chr13:110,651,075, T>C on the plus strand (A>G on the coding strand, the complement: CARS2 is on the minus strand). VCF-style: chr13-110651075-T-C. GRCh37 (hg19) VCF-style: chr13-111303422-T-C.
Other names: c.227A>G, p.Asp76Gly (NM_001352252.2); c.1013A>G (NM_024537.2); short protein forms D338G, D76G.
Identifiers: ClinVar variation 1002431 (VCV001002431.7), dbSNP rs373398364, ClinGen allele CA7051978.